The following is an entry in ClinVar:

NM_000268.4(NF2):c.810_810+2dup

Gene: NF2 (NF2, moesin-ezrin-radixin like (MERLIN) tumor suppressor; plus strand). Cytogenetic location: 22q12.2.
Variant type: Duplication.
Coding change: c.810_810+2dup on transcript NM_000268.4 (MANE Select); coding-DNA position 810 through the canonical splice donor site of the intron after coding-DNA position 810, 3 bases duplicated (GGT; older notation c.810_810+2dupGGT).
Molecular consequence: splice donor variant. On other transcripts: intron variant (1).
Genome position (GRCh38, 1-based): chr22:29,661,339-29,661,341, GGT duplicated. VCF-style (leftmost placement, unchanged base first): chr22-29661338-A-AGGT. GRCh37 (hg19) VCF-style: chr22-30057327-A-AGGT.
Other names: c.810_810+2dupGGT (NM_000268.3); c.810_810+2dup (NM_016418.5, NM_181832.3, NM_181825.3); c.447+19054_447+19056dup (NM_181833.3); c.687_687+2dup (NM_181829.3); c.684_684+2dup (NM_181828.3); c.561_561+2dup (NM_181830.3, NM_181831.3).
Identifiers: ClinVar variation 568174 (VCV000568174.9), dbSNP rs1569297926, ClinGen allele CA891843608.

ClinVar aggregate classification (germline): Uncertain significance (1 of 4 stars; one submission).

Conditions:
Neurofibromatosis, type 2 (SWNV). Also called: NF2-Related Schwannomatosis; BILATERAL ACOUSTIC NEUROFIBROMATOSIS; SCHWANNOMATOSIS, VESTIBULAR. Identifiers: Orphanet 637, MedGen C0027832, MONDO:0007039, OMIM 101000. Disease mechanism: loss of function.

Submission:

Labcorp Genetics (formerly Invitae), Labcorp
Classification: Uncertain significance for Neurofibromatosis, type 2. Last evaluated: 2018-03-28. Review status: criteria provided, single submitter. Criteria: Invitae Variant Classification Sherloc (09022015). Collection method: clinical testing. Allele origin: germline.
Comment: In summary, the available evidence is currently insufficient to determine the role of this variant in disease. Therefore, it has been classified as a Variant of Uncertain Significance. Nucleotide substitutions within the consensus splice site are a relatively common cause of aberrant splicing (PMID: 17576681, 9536098). Algorithms developed to predict the effect of sequence changes on RNA splicing suggest that this variant may disrupt the consensus splice site, but this prediction has not been confirmed by published transcriptional studies. This variant has not been reported in the literature in individuals with NF2-related disease. This variant is not present in population databases (ExAC no frequency). This sequence change falls in intron 8 of the NF2 gene. It does not directly change the encoded amino acid sequence of the NF2 protein, but it affects a nucleotide within the consensus splice site of the intron.

Literature cited by the submitters: PubMed 17576681; PubMed 9536098.